The following is an entry in ClinVar:

ClinVar aggregate classification (germline): Uncertain significance (1 of 4 stars; one submission).

Allele frequency attached by ClinVar (database versions not stated): TOPMed below 0.00001; gnomAD 0.00001.
gnomAD v4.1: 1 of 1,614,096 alleles (0.000062%); highest among the groups gnomAD compares: African/African-American, 0.0013%; no homozygotes.

Submission:

GeneDx
Classification: Uncertain significance. Last evaluated: 2023-02-14. Review status: criteria provided, single submitter. Criteria: GeneDx Variant Classification Process June 2021. Collection method: clinical testing. Allele origin: germline. Affected: yes.
Comment: Not observed in large population cohorts (gnomAD); In silico analysis supports that this missense variant does not alter protein structure/function; Has not been previously published as pathogenic or benign to our knowledge

NM_001347721.2(DYRK1A):c.1870T>A (p.Tyr624Asn)

Gene: DYRK1A (dual specificity tyrosine phosphorylation regulated kinase 1A; plus strand). Cytogenetic location: 21q22.13.
Variant type: single nucleotide variant.
Coding change: c.1870T>A on transcript NM_001347721.2 (MANE Select); coding-DNA position 1870, T replaced by A.
Protein change: p.Tyr624Asn; replaces tyrosine 624 with asparagine.
Molecular consequence: missense variant. On other transcripts: 3 prime UTR variant (2).
Genome position (GRCh38, 1-based): chr21:37,512,136, T>A. VCF-style: chr21-37512136-T-A. GRCh37 (hg19) VCF-style: chr21-38884439-T-A.
Other names: c.1870T>A, p.Tyr624Asn (NM_001347722.2, NM_130436.2); c.1783T>A, p.Tyr595Asn (NM_001347723.2); c.1897T>A, p.Tyr633Asn (NM_001396.5); c.*273T>A (NM_101395.2); c.*182T>A (NM_130438.2); short protein forms Y595N, Y624N, Y633N.
Identifiers: ClinVar variation 2430607 (VCV002430607.1), dbSNP rs1264214416, ClinGen allele CA409939771.
Genomic context (GRCh38, chr21:37,512,136, plus strand): 5'-CACCACCATCACCACCACCATGGACAACAAGCCTTGGGTAACCGGACCAGGCCAAGGGTC[T>A]ACAATTCTCCAACGAATAGCTCCTCTACCCAAGATTCTATGGAGGTTGGCCACAGTCACC-3'
Protein context (NP_001334650.1, residues 614-634): ALGNRTRPRV[Tyr624Asn]NSPTNSSSTQ